The following is an entry in ClinVar:

NM_001128205.2(SULF1):c.437A>G (p.Glu146Gly)

Gene: SULF1 (sulfatase 1; plus strand). Cytogenetic location: 8q13.2.
Variant type: single nucleotide variant.
Coding change: c.437A>G on transcript NM_001128205.2 (MANE Select); coding-DNA position 437, A replaced by G.
Protein change: p.Glu146Gly; replaces glutamic acid 146 with glycine.
Molecular consequence: missense variant. On other transcripts: non-coding transcript variant (6), 5 prime UTR variant (3).
Genome position (GRCh38, 1-based): chr8:69,586,381, A>G. VCF-style: chr8-69586381-A-G. GRCh37 (hg19) VCF-style: chr8-70498616-A-G.
Other names: c.437A>G, p.Glu146Gly (NM_001412835.1, NM_001412847.1, NM_001412848.1 and 19 more transcripts); c.-1265A>G (NM_001412846.1); c.251A>G, p.Glu84Gly (NM_001412841.1, NM_001412842.1); c.-90A>G (NM_001412844.1, NM_001412845.1); short protein forms E84G, E146G.
Identifiers: ClinVar variation 2859972 (VCV002859972.3), dbSNP rs2537107349, ClinGen allele CA371225117.

ClinVar aggregate classification (germline): Uncertain significance (1 of 4 stars; one submission).

Submission:

Labcorp Genetics (formerly Invitae), Labcorp
Classification: Uncertain significance. Last evaluated: 2023-04-28. Review status: criteria provided, single submitter. Criteria: Invitae Variant Classification Sherloc (09022015). Collection method: clinical testing. Allele origin: germline.
Comment: This variant has not been reported in the literature in individuals affected with SULF1-related conditions. This variant is not present in population databases (gnomAD no frequency). This sequence change replaces glutamic acid, which is acidic and polar, with glycine, which is neutral and non-polar, at codon 146 of the SULF1 protein (p.Glu146Gly). An algorithm developed to predict the effect of missense changes on protein structure and function (PolyPhen-2) suggests that this variant is likely to be disruptive. In summary, the available evidence is currently insufficient to determine the role of this variant in disease. Therefore, it has been classified as a Variant of Uncertain Significance.